The following is an entry in ClinVar:

ClinVar aggregate classification (germline): Conflicting classifications of pathogenicity. Review status: criteria provided, conflicting classifications (1 of 4 stars). 3 submissions from 3 submitters: Uncertain significance (1); Likely benign (2). Last evaluated 2025-11-18.

Conditions:
Saldino-Mainzer syndrome (SRTD9). Also called: short-rib thoracic dysplasia 9 with or without polydactyly; SHORT-RIB THORACIC DYSPLASIA 9 WITHOUT POLYDACTYLY; Renal dysplasia, retinal pigmentary dystrophy, cerebellar ataxia and skeletal dysplasia; CONORENAL SYNDROME. Identifiers: Orphanet 140969, MedGen C1849437, MONDO:0009964, OMIM 266920.
IFT140-related disorder. Also called: IFT140-related condition.

Allele frequency attached by ClinVar (database versions not stated): ExAC 0.00001; gnomAD exomes 0.00001 and 0.00003; gnomAD 0.00003; TOPMed 0.00003; 1000 Genomes Project 30x 0.00016.
gnomAD v4.1: 43 of 1,611,830 alleles (0.0027%); highest among the groups gnomAD compares: African/African-American, 0.0053%; no homozygotes.

Submissions (3):

Labcorp Genetics (formerly Invitae), Labcorp
Classification: Likely benign for Saldino-Mainzer syndrome. Last evaluated: 2025-11-18. Review status: criteria provided, single submitter. Criteria: Invitae Variant Classification Sherloc (09022015). Collection method: clinical testing. Allele origin: germline.

PreventionGenetics, part of Exact Sciences
Classification: Likely benign for IFT140-related condition. Last evaluated: 2025-07-09. Review status: criteria provided, single submitter. Criteria: ACMG Guidelines, 2015. Collection method: clinical testing. Allele origin: germline.
Comment: This variant is classified as likely benign based on ACMG/AMP sequence variant interpretation guidelines (Richards et al. 2015 PMID: 25741868, with internal and published modifications).

Illumina Laboratory Services, Illumina
Classification: Uncertain significance for Saldino-Mainzer syndrome. Last evaluated: 2018-01-13. Review status: criteria provided, single submitter. Criteria: ICSL Variant Classification Criteria 13 December 2019. Collection method: clinical testing. Allele origin: germline.

NM_014714.4(IFT140):c.2781G>A (p.Ser927=)

Genes: IFT140 (intraflagellar transport 140; minus strand), LOC126862260 (CDK7 strongly-dependent group 2 enhancer GRCh37_chr16:1574508-1575707; plus strand). Cytogenetic location: 16p13.3.
Variant type: single nucleotide variant.
Coding change: c.2781G>A on transcript NM_014714.4 (MANE Select); coding-DNA position 2781, G replaced by A.
Protein change: p.Ser927=; no amino-acid change (serine 927 retained).
Molecular consequence: synonymous variant.
Genome position (GRCh38, 1-based): chr16:1,525,314, C>T on the plus strand (G>A on the coding strand, the complement: IFT140 is on the minus strand). VCF-style: chr16-1525314-C-T. GRCh37 (hg19) VCF-style: chr16-1575315-C-T.
Identifiers: ClinVar variation 318043 (VCV000318043.15), dbSNP rs773225207, ClinGen allele CA7813482.